The following is an entry in ClinVar:

ClinVar aggregate classification (germline): Uncertain significance (1 of 4 stars; one submission).

Conditions:
GATA6-related disorder. Also called: GATA6-related condition.

Submission:

3billion
Classification: Uncertain significance for GATA6-related disorder. Last evaluated: 2025-02-16. Review status: criteria provided, single submitter. Criteria: ACMG Guidelines, 2015. Collection method: clinical testing. Allele origin: germline. Affected: yes.
Comment: The variant is not observed in the gnomAD v4.1.0 dataset. Predicted Consequence/Location: Missense variant In silico tool predictions suggest damaging effect of the variant on gene or gene product [REVEL: 0.62 (>=0.6, sensitivity 0.68 and specificity 0.92)]. Therefore, this variant is classified as VUS according to the recommendation of ACMG/AMP guideline.

NM_005257.6(GATA6):c.464C>T (p.Ser155Phe)

Gene: GATA6 (GATA binding protein 6; plus strand). Cytogenetic location: 18q11.2.
Variant type: single nucleotide variant.
Coding change: c.464C>T on transcript NM_005257.6 (MANE Select); coding-DNA position 464, C replaced by T.
Protein change: p.Ser155Phe; replaces serine 155 with phenylalanine.
Molecular consequence: missense variant.
Genome position (GRCh38, 1-based): chr18:22,171,608, C>T. VCF-style: chr18-22171608-C-T. GRCh37 (hg19) VCF-style: chr18-19751569-C-T.
Other names: short protein forms S155F.
Identifiers: ClinVar variation 4293607 (VCV004293607.1).